The following is an entry in ClinVar:

ClinVar aggregate classification (germline): Uncertain significance (1 of 4 stars; one submission).

Conditions:
Alstrom syndrome (ALMS). Identifiers: Orphanet 64, MedGen C0268425, MONDO:0008763, OMIM 203800.

Submission:

Labcorp Genetics (formerly Invitae), Labcorp
Classification: Uncertain significance for Alstrom syndrome. Last evaluated: 2025-12-06. Review status: criteria provided, single submitter. Criteria: Invitae Variant Classification Sherloc (09022015). Collection method: clinical testing. Allele origin: germline.
Comment: This sequence change replaces histidine, which is basic and polar, with tyrosine, which is neutral and polar, at codon 3467 of the ALMS1 protein (p.His3467Tyr). This variant is not present in population databases (gnomAD no frequency). This variant has not been reported in the literature in individuals affected with ALMS1-related conditions. Experimental studies and prediction algorithms are not available or were not evaluated, and the functional significance of this variant is currently unknown. In summary, the available evidence is currently insufficient to determine the role of this variant in disease. Therefore, it has been classified as a Variant of Uncertain Significance.

NM_001378454.1(ALMS1):c.10396C>T (p.His3466Tyr)

Gene: ALMS1 (ALMS1 centrosome and basal body associated protein; plus strand). Cytogenetic location: 2p13.1.
Variant type: single nucleotide variant.
Coding change: c.10396C>T on transcript NM_001378454.1 (MANE Select); coding-DNA position 10396, C replaced by T.
Protein change: p.His3466Tyr; replaces histidine 3466 with tyrosine.
Molecular consequence: missense variant.
Genome position (GRCh38, 1-based): chr2:73,572,273, C>T. VCF-style: chr2-73572273-C-T. GRCh37 (hg19) VCF-style: chr2-73799400-C-T.
Other names: c.10399C>T, p.His3467Tyr (NM_015120.4); short protein forms H3466Y, H3467Y.
Identifiers: ClinVar variation 4710198 (VCV004710198.1).
Genomic context (GRCh38, chr2:73,572,273, plus strand): 5'-GAATGCTAATTTTTTAAGTTCTTTCAAAATCTTTTTTTCTCCTTTTCAGAGTCCGAATGT[C>T]ATTCAGAATTTGAAAATACTACCCGTTCTGTCTTCAGGTCAGCAAAGTTTTACATTCATC-3'
Protein context (NP_001365383.1, residues 3456-3476): LQINIEESEC[His3466Tyr]SEFENTTRSV